The following is an entry in ClinVar:

NM_020461.4(TUBGCP6):c.5272C>A (p.Pro1758Thr)

Gene: TUBGCP6 (tubulin gamma complex component 6; minus strand). Cytogenetic location: 22q13.33.
Variant type: single nucleotide variant.
Coding change: c.5272C>A on transcript NM_020461.4 (MANE Select); coding-DNA position 5272, C replaced by A.
Protein change: p.Pro1758Thr; replaces proline 1758 with threonine.
Molecular consequence: missense variant.
Genome position (GRCh38, 1-based): chr22:50,218,014, G>T on the plus strand (C>A on the coding strand, the complement: TUBGCP6 is on the minus strand). VCF-style: chr22-50218014-G-T. GRCh37 (hg19) VCF-style: chr22-50656443-G-T.
Other names: short protein forms P1758T.
Identifiers: ClinVar variation 1015720 (VCV001015720.8), dbSNP rs761960582, ClinGen allele CA10307099.

ClinVar aggregate classification (germline): Uncertain significance (1 of 4 stars; one submission).

Allele frequency attached by ClinVar (database versions not stated): ExAC 0.00001; gnomAD 0.00001; TOPMed 0.00001.
gnomAD v4.1: 7 of 1,612,540 alleles (0.00043%); highest among the groups gnomAD compares: South Asian, 0.0055%; no homozygotes.

Submission:

Labcorp Genetics (formerly Invitae), Labcorp
Classification: Uncertain significance. Last evaluated: 2020-10-09. Review status: criteria provided, single submitter. Criteria: Invitae Variant Classification Sherloc (09022015). Collection method: clinical testing. Allele origin: germline.
Comment: In summary, the available evidence is currently insufficient to determine the role of this variant in disease. Therefore, it has been classified as a Variant of Uncertain Significance. Algorithms developed to predict the effect of missense changes on protein structure and function are either unavailable or do not agree on the potential impact of this missense change (SIFT: "Tolerated"; PolyPhen-2: "Possibly Damaging"; Align-GVGD: "Class C0"). This variant has not been reported in the literature in individuals with TUBGCP6-related conditions. This variant is present in population databases (rs761960582, ExAC 0.006%). This sequence change replaces proline with threonine at codon 1758 of the TUBGCP6 protein (p.Pro1758Thr). The proline residue is weakly conserved and there is a small physicochemical difference between proline and threonine.